The following is an entry in ClinVar:

ClinVar aggregate classification (germline): Uncertain significance. Review status: criteria provided, multiple submitters, no conflicts (2 of 4 stars). 2 submissions from 2 submitters: Uncertain significance (2). Last evaluated 2022-01-16.

Conditions:
Developmental and epileptic encephalopathy, 42 (DEE42A). Also called: DEVELOPMENTAL AND EPILEPTIC ENCEPHALOPATHY 42A; EPILEPTIC ENCEPHALOPATHY, EARLY INFANTILE, 42A; Epileptic encephalopathy, early infantile, 42. Identifiers: MedGen C4310716, MONDO:0014917, OMIM 617106.
Episodic ataxia type 2 (EA2). Also called: ATAXIA, EPISODIC, WITH NYSTAGMUS; ATAXIA, FAMILIAL PAROXYSMAL; CEREBELLAR ATAXIA, PAROXYSMAL, ACETAZOLAMIDE-RESPONSIVE; CEREBELLOPATHY, HEREDITARY PAROXYSMAL; EPISODIC ATAXIA, NYSTAGMUS-ASSOCIATED; ACETAZOLAMIDE-RESPONSIVE HEREDITARY PAROXYSMAL CEREBELLAR ATAXIA. Identifiers: Orphanet 97, MedGen C1720416, MONDO:0007163, OMIM 108500.

Allele frequency attached by ClinVar (database versions not stated): gnomAD exomes below 0.00001.
gnomAD v4.1: 1 of 1,613,636 alleles (0.000062%); highest among the groups gnomAD compares: African/African-American, 0.0013%; no homozygotes.

Submissions (2):

Labcorp Genetics (formerly Invitae), Labcorp
Classification: Uncertain significance for Developmental and epileptic encephalopathy, 42; Episodic ataxia type 2. Last evaluated: 2022-01-16. Review status: criteria provided, single submitter. Criteria: Invitae Variant Classification Sherloc (09022015). Collection method: clinical testing. Allele origin: germline.
Comment: In summary, the available evidence is currently insufficient to determine the role of this variant in disease. Therefore, it has been classified as a Variant of Uncertain Significance. Advanced modeling of protein sequence and biophysical properties (such as structural, functional, and spatial information, amino acid conservation, physicochemical variation, residue mobility, and thermodynamic stability) performed at Invitae indicates that this missense variant is not expected to disrupt CACNA1A protein function. This variant has not been reported in the literature in individuals affected with CACNA1A-related conditions. This variant is present in population databases (no rsID available, gnomAD 0.007%). This sequence change replaces asparagine, which is neutral and polar, with histidine, which is basic and polar, at codon 2062 of the CACNA1A protein (p.Asn2062His).

Revvity Omics, Revvity
Classification: Uncertain significance. Last evaluated: 2021-11-18. Review status: criteria provided, single submitter. Criteria: ACMG Guidelines, 2015. Collection method: clinical testing. Allele origin: germline.

NM_001127222.2(CACNA1A):c.6181A>C (p.Asn2061His)

Gene: CACNA1A (calcium voltage-gated channel subunit alpha1 A; minus strand). Cytogenetic location: 19p13.13.
Variant type: single nucleotide variant.
Coding change: c.6181A>C on transcript NM_001127222.2 (MANE Select); coding-DNA position 6181, A replaced by C.
Protein change: p.Asn2061His; replaces asparagine 2061 with histidine.
Molecular consequence: missense variant.
Genome position (GRCh38, 1-based): chr19:13,212,392, T>G on the plus strand (A>C on the coding strand, the complement: CACNA1A is on the minus strand). VCF-style: chr19-13212392-T-G. GRCh37 (hg19) VCF-style: chr19-13323206-T-G.
Other names: c.6199A>C, p.Asn2067His (NM_000068.4, NM_023035.3); c.6184A>C, p.Asn2062His (NM_001127221.2); c.6190A>C, p.Asn2064His (NM_001174080.2); c.6184A>C (NM_001127221.1); short protein forms N2067H, N2061H, N2064H, N2062H.
Identifiers: ClinVar variation 1484081 (VCV001484081.11), dbSNP rs974724726, ClinGen allele CA305550851.
Genomic context (GRCh38, chr19:13,212,392, plus strand): 5'-CCTGAACCACCCGGGCCCTGGGAGCCATTGGGGAGTTGGGGGACAGAGGCACCTGAGAGT[T>G]AGGCTGGCTGTTGGGCATGTCGGTAGGGGGGCCTTGTTCCGGACTCCATGTGCCCGTCTT-3'
Protein context (NP_001120694.1, residues 2051-2071): PPTDMPNSQP[Asn2061His]SQSVEMREMG